The following is an entry in ClinVar:

NM_001365536.1(SCN9A):c.3712A>G (p.Ile1238Val)

Genes: SCN9A (sodium voltage-gated channel alpha subunit 9; minus strand), SCN1A-AS1 (SCN1A and SCN9A antisense RNA 1; plus strand). Cytogenetic location: 2q24.3.
Variant type: single nucleotide variant.
Coding change: c.3712A>G on transcript NM_001365536.1 (MANE Select); coding-DNA position 3712, A replaced by G.
Protein change: p.Ile1238Val; replaces isoleucine 1238 with valine.
Molecular consequence: missense variant.
Genome position (GRCh38, 1-based): chr2:166,238,183, T>C on the plus strand (A>G on the coding strand, the complement: SCN9A is on the minus strand). VCF-style: chr2-166238183-T-C. GRCh37 (hg19) VCF-style: chr2-167094693-T-C.
Other names: c.3679A>G, p.Ile1227Val (NM_002977.4); short protein forms I1227V, I1238V.
Identifiers: ClinVar variation 1018867 (VCV001018867.10), dbSNP rs1558973382, ClinGen allele CA349068704.

ClinVar aggregate classification (germline): Uncertain significance. Review status: criteria provided, multiple submitters, no conflicts (2 of 4 stars). 2 submissions from 2 submitters: Uncertain significance (2). Last evaluated 2025-02-12.

Conditions:
Neuropathy, hereditary sensory and autonomic, type 2A (HSAN2A). Also called: HSAN IIA; ACROOSTEOLYSIS, GIACCAI TYPE; ACROOSTEOLYSIS, NEUROGENIC; MORVAN DISEASE; NEUROPATHY, CONGENITAL SENSORY; NEUROPATHY, HEREDITARY SENSORY RADICULAR, AUTOSOMAL RECESSIVE. Identifiers: Orphanet 970, MedGen C2752089, MONDO:0024309, OMIM 201300.
Generalized epilepsy with febrile seizures plus, type 7 (GEFSP7). Also called: GEFS+, TYPE 7. Identifiers: Orphanet 36387, MedGen C2751778, MONDO:0013470, OMIM 613863.
Inborn genetic diseases. Identifiers: MedGen C0950123, MeSH D030342.

Allele frequency attached by ClinVar (database versions not stated): gnomAD exomes below 0.00001; TOPMed 0.00001.
gnomAD v4.1: 4 of 1,608,538 alleles (0.00025%); highest among the groups gnomAD compares: Non-Finnish European, 0.00026%; no homozygotes.

Submissions (2):

Ambry Genetics
Classification: Uncertain significance for Inborn genetic diseases. Last evaluated: 2025-02-12. Review status: criteria provided, single submitter. Criteria: Ambry Variant Classification Scheme 2023. Collection method: clinical testing. Allele origin: germline.

Labcorp Genetics (formerly Invitae), Labcorp
Classification: Uncertain significance for Neuropathy, hereditary sensory and autonomic, type 2A; Generalized epilepsy with febrile seizures plus, type 7. Last evaluated: 2023-02-17. Review status: criteria provided, single submitter. Criteria: Invitae Variant Classification Sherloc (09022015). Collection method: clinical testing. Allele origin: germline.
Comment: Advanced modeling of protein sequence and biophysical properties (such as structural, functional, and spatial information, amino acid conservation, physicochemical variation, residue mobility, and thermodynamic stability) performed at Invitae indicates that this missense variant is not expected to disrupt SCN9A protein function. In summary, the available evidence is currently insufficient to determine the role of this variant in disease. Therefore, it has been classified as a Variant of Uncertain Significance. ClinVar contains an entry for this variant (Variation ID: 1018867). This sequence change replaces isoleucine, which is neutral and non-polar, with valine, which is neutral and non-polar, at codon 1227 of the SCN9A protein (p.Ile1227Val). This variant is not present in population databases (gnomAD no frequency). This missense change has been observed in individual(s) with clinical features of SCN9A-related conditions (Invitae).